The following is an entry in ClinVar:

ClinVar aggregate classification (germline): Uncertain significance. Review status: criteria provided, multiple submitters, no conflicts (2 of 4 stars). 3 submissions from 3 submitters: Uncertain significance (3). Last evaluated 2025-01-21.

Conditions:
Inborn genetic diseases. Identifiers: MedGen C0950123, MeSH D030342.
Schwartz-Jampel syndrome. Also called: Myotonic myopathy dwarfism chondrodystrophy and ocular and facial abnormalities. Identifiers: Orphanet 800, MedGen C0036391, MONDO:0009717.

Allele frequency attached by ClinVar (database versions not stated): ExAC 0.00001; gnomAD 0.00001 and 0.00002; gnomAD exomes 0.00001; TOPMed 0.00002.
gnomAD v4.1: 23 of 1,614,006 alleles (0.0014%); highest among the groups gnomAD compares: Admixed American, 0.01%; no homozygotes.

Submissions (3):

Ambry Genetics
Classification: Uncertain significance for Inborn genetic diseases. Last evaluated: 2025-01-21. Review status: criteria provided, single submitter. Criteria: Ambry Variant Classification Scheme 2023. Collection method: clinical testing. Allele origin: germline.

Labcorp Genetics (formerly Invitae), Labcorp
Classification: Uncertain significance. Last evaluated: 2024-11-19. Review status: criteria provided, single submitter. Criteria: Invitae Variant Classification Sherloc (09022015). Collection method: clinical testing. Allele origin: germline.
Comment: This sequence change replaces valine, which is neutral and non-polar, with alanine, which is neutral and non-polar, at codon 1839 of the HSPG2 protein (p.Val1839Ala). This variant is present in population databases (rs751036475, gnomAD 0.006%). This variant has not been reported in the literature in individuals affected with HSPG2-related conditions. ClinVar contains an entry for this variant (Variation ID: 562191). An algorithm developed to predict the effect of missense changes on protein structure and function (PolyPhen-2) suggests that this variant is likely to be disruptive. In summary, the available evidence is currently insufficient to determine the role of this variant in disease. Therefore, it has been classified as a Variant of Uncertain Significance.

Mayo Clinic Laboratories, Mayo Clinic
Classification: Uncertain significance for Schwartz-Jampel syndrome type 1. Last evaluated: 2018-03-19. Review status: criteria provided, single submitter. Criteria: ACMG Guidelines, 2015. Collection method: clinical testing. Allele origin: paternal.

NM_005529.7(HSPG2):c.5516T>C (p.Val1839Ala)

Gene: HSPG2 (heparan sulfate proteoglycan 2; minus strand). Cytogenetic location: 1p36.12.
Variant type: single nucleotide variant.
Coding change: c.5516T>C on transcript NM_005529.7 (MANE Select); coding-DNA position 5516, T replaced by C.
Protein change: p.Val1839Ala; replaces valine 1839 with alanine.
Molecular consequence: missense variant.
Genome position (GRCh38, 1-based): chr1:21,857,074, A>G on the plus strand (T>C on the coding strand, the complement: HSPG2 is on the minus strand). VCF-style: chr1-21857074-A-G. GRCh37 (hg19) VCF-style: chr1-22183567-A-G.
Other names: c.5519T>C, p.Val1840Ala (NM_001291860.2); c.5516T>C (NM_005529.5); short protein forms V1839A, V1840A.
Identifiers: ClinVar variation 562191 (VCV000562191.8), dbSNP rs751036475, ClinGen allele CA671906.